The following is an entry in ClinVar:

NM_015041.3(CLUAP1):c.771C>A (p.Asp257Glu)

Gene: CLUAP1 (clusterin associated protein 1; plus strand). Cytogenetic location: 16p13.3.
Variant type: single nucleotide variant.
Coding change: c.771C>A on transcript NM_015041.3 (MANE Select); coding-DNA position 771, C replaced by A.
Protein change: p.Asp257Glu; replaces aspartic acid 257 with glutamic acid.
Molecular consequence: missense variant.
Genome position (GRCh38, 1-based): chr16:3,523,215, C>A. VCF-style: chr16-3523215-C-A. GRCh37 (hg19) VCF-style: chr16-3573215-C-A.
Other names: c.771C>A, p.Asp257Glu (NM_001330454.2); c.273C>A, p.Asp91Glu (NM_024793.3); short protein forms D257E, D91E.
Identifiers: ClinVar variation 1718230 (VCV001718230.5), dbSNP rs752823842, ClinGen allele CA394514230.

ClinVar aggregate classification (germline): Uncertain significance (1 of 4 stars; one submission).

Submission:

Labcorp Genetics (formerly Invitae), Labcorp
Classification: Uncertain significance. Last evaluated: 2023-03-10. Review status: criteria provided, single submitter. Criteria: Invitae Variant Classification Sherloc (09022015). Collection method: clinical testing. Allele origin: germline.
Comment: In summary, the available evidence is currently insufficient to determine the role of this variant in disease. Therefore, it has been classified as a Variant of Uncertain Significance. Advanced modeling of protein sequence and biophysical properties (such as structural, functional, and spatial information, amino acid conservation, physicochemical variation, residue mobility, and thermodynamic stability) performed at Invitae indicates that this missense variant is not expected to disrupt CLUAP1 protein function. ClinVar contains an entry for this variant (Variation ID: 1718230). This variant has not been reported in the literature in individuals affected with CLUAP1-related conditions. This variant is not present in population databases (gnomAD no frequency). This sequence change replaces aspartic acid, which is acidic and polar, with glutamic acid, which is acidic and polar, at codon 257 of the CLUAP1 protein (p.Asp257Glu).